The following is an entry in ClinVar:

NM_014633.5(CTR9):c.2425C>G (p.Leu809Val)

Gene: CTR9 (CTR9 component of Paf1/RNA polymerase II complex; plus strand). Cytogenetic location: 11p15.4.
Variant type: single nucleotide variant.
Coding change: c.2425C>G on transcript NM_014633.5 (MANE Select); coding-DNA position 2425, C replaced by G.
Protein change: p.Leu809Val; replaces leucine 809 with valine.
Molecular consequence: missense variant. On other transcripts: intron variant (1).
Genome position (GRCh38, 1-based): chr11:10,771,597, C>G. VCF-style: chr11-10771597-C-G. GRCh37 (hg19) VCF-style: chr11-10793144-C-G.
Other names: c.2373-923C>G (NM_001346279.2); short protein forms L809V.
Identifiers: ClinVar variation 2885884 (VCV002885884.3), dbSNP rs371400312, ClinGen allele CA5885318.

ClinVar aggregate classification (germline): Uncertain significance (1 of 4 stars; one submission).

Allele frequency attached by ClinVar (database versions not stated): ExAC 0.00001; gnomAD 0.00002; TOPMed 0.00002; ESP Exome Variant Server 0.00008.
gnomAD v4.1: 7 of 1,612,400 alleles (0.00043%); highest among the groups gnomAD compares: African/African-American, 0.0094%; no homozygotes.

Submission:

Labcorp Genetics (formerly Invitae), Labcorp
Classification: Uncertain significance. Last evaluated: 2023-02-03. Review status: criteria provided, single submitter. Criteria: Invitae Variant Classification Sherloc (09022015). Collection method: clinical testing. Allele origin: germline.
Comment: This sequence change replaces leucine, which is neutral and non-polar, with valine, which is neutral and non-polar, at codon 809 of the CTR9 protein (p.Leu809Val). This variant is present in population databases (rs371400312, gnomAD 0.01%). This variant has not been reported in the literature in individuals affected with CTR9-related conditions. Algorithms developed to predict the effect of missense changes on protein structure and function (SIFT, PolyPhen-2, Align-GVGD) all suggest that this variant is likely to be tolerated. In summary, the available evidence is currently insufficient to determine the role of this variant in disease. Therefore, it has been classified as a Variant of Uncertain Significance.